The following is an entry in ClinVar:

ClinVar aggregate classification (germline): Uncertain significance (1 of 4 stars; one submission).

Allele frequency attached by ClinVar (database versions not stated): gnomAD 0.00001.

Submission:

Labcorp Genetics (formerly Invitae), Labcorp
Classification: Uncertain significance. Last evaluated: 2024-10-16. Review status: criteria provided, single submitter. Criteria: Invitae Variant Classification Sherloc (09022015). Collection method: clinical testing. Allele origin: germline.
Comment: This sequence change replaces arginine, which is basic and polar, with cysteine, which is neutral and slightly polar, at codon 284 of the TOP2B protein (p.Arg284Cys). This variant is present in population databases (rs776876327, gnomAD 0.004%). This variant has not been reported in the literature in individuals affected with TOP2B-related conditions. ClinVar contains an entry for this variant (Variation ID: 1906225). An algorithm developed to predict the effect of missense changes on protein structure and function (PolyPhen-2) suggests that this variant is likely to be tolerated. In summary, the available evidence is currently insufficient to determine the role of this variant in disease. Therefore, it has been classified as a Variant of Uncertain Significance.

NM_001330700.2(TOP2B):c.865C>T (p.Arg289Cys)

Gene: TOP2B (DNA topoisomerase II beta; minus strand). Cytogenetic location: 3p24.2.
Variant type: single nucleotide variant.
Coding change: c.865C>T on transcript NM_001330700.2 (MANE Select); coding-DNA position 865, C replaced by T.
Protein change: p.Arg289Cys; replaces arginine 289 with cysteine.
Molecular consequence: missense variant.
Genome position (GRCh38, 1-based): chr3:25,634,002, G>A on the plus strand (C>T on the coding strand, the complement: TOP2B is on the minus strand). VCF-style: chr3-25634002-G-A. GRCh37 (hg19) VCF-style: chr3-25675493-G-A.
Other names: c.850C>T, p.Arg284Cys (NM_001068.3); short protein forms R284C, R289C.
Identifiers: ClinVar variation 1906225 (VCV001906225.5), dbSNP rs776876327, ClinGen allele CA2288814.